The following is an entry in ClinVar:

ClinVar aggregate classification (germline): Likely pathogenic (1 of 4 stars; one submission).

Submission:

CeGaT Center for Human Genetics Tuebingen
Classification: Likely pathogenic. Last evaluated: 2023-03-01. Review status: criteria provided, single submitter. Criteria: CeGaT Center For Human Genetics Tuebingen Variant Classification Criteria Version 2. Collection method: clinical testing. Allele origin: germline. Affected: yes. Observed: 1 variant allele.
Comment: DDX3X: PS2, PM2, PM5, PP2

NM_001356.5(DDX3X):c.1052G>C (p.Arg351Pro)

Gene: DDX3X (DEAD-box helicase 3 X-linked; plus strand). Cytogenetic location: Xp11.4.
Variant type: single nucleotide variant.
Coding change: c.1052G>C on transcript NM_001356.5 (MANE Select); coding-DNA position 1052, G replaced by C.
Protein change: p.Arg351Pro; replaces arginine 351 with proline.
Molecular consequence: missense variant. On other transcripts: non-coding transcript variant (1).
Genome position (GRCh38, 1-based): chrX:41,345,206, G>C. VCF-style: chrX-41345206-G-C. GRCh37 (hg19) VCF-style: chrX-41204459-G-C.
Other names: c.1052G>C, p.Arg351Pro (NM_001193416.3); c.1004G>C, p.Arg335Pro (NM_001193417.3); c.494G>C, p.Arg165Pro (NM_001363819.1); short protein forms R165P, R335P, R351P.
Identifiers: ClinVar variation 2499131 (VCV002499131.28), dbSNP rs1057518707, ClinGen allele CA412771280.
Genomic context (GRCh38, chrX:41,345,206, plus strand): 5'-AAACTCAGGCTTGTTTTTTTTCATGACATGACAGATACTTGGTGTTAGATGAAGCTGATC[G>C]GATGTTGGATATGGGGTTTGAGCCTCAGATTCGTAGAATAGTCGAACAAGATACTATGCC-3'
Protein context (NP_001347.3, residues 341-361): CKYLVLDEAD[Arg351Pro]MLDMGFEPQI